The following is an entry in ClinVar:

ClinVar aggregate classification (germline): Pathogenic. Review status: criteria provided, multiple submitters, no conflicts (2 of 4 stars). 4 submissions from 4 submitters: Pathogenic (4). Last evaluated 2023-03-01.

Conditions:
Retinal dystrophy. Also called: Inherited retinal dystrophy. Identifiers: Orphanet 71862, MedGen C0854723, MeSH D058499, MONDO:0019118, HP:0000556.

Submissions (4):

CeGaT Center for Human Genetics Tuebingen
Classification: Pathogenic. Last evaluated: 2023-03-01. Review status: criteria provided, single submitter. Criteria: CeGaT Center For Human Genetics Tuebingen Variant Classification Criteria Version 2. Collection method: clinical testing. Allele origin: germline. Affected: yes. Observed: 1 variant allele.
Comment: PRPF31: PVS1, PM2, PS4:Moderate

Institute of Human Genetics, Univ. Regensburg, Univ. Regensburg
Classification: Pathogenic for Retinal dystrophy. Last evaluated: 2023-01-01. Review status: criteria provided, single submitter. Criteria: ACMG Guidelines, 2015. Collection method: clinical testing. Allele origin: germline. Affected: yes.

Labcorp Genetics (formerly Invitae), Labcorp
Classification: Pathogenic. Last evaluated: 2022-10-04. Review status: criteria provided, single submitter. Criteria: Invitae Variant Classification Sherloc (09022015). Collection method: clinical testing. Allele origin: germline.
Comment: For these reasons, this variant has been classified as Pathogenic. ClinVar contains an entry for this variant (Variation ID: 987368). This premature translational stop signal has been observed in individual(s) with retinitis pigmentosa (PMID: 28559085). This variant is not present in population databases (gnomAD no frequency). This sequence change creates a premature translational stop signal (p.Lys73*) in the PRPF31 gene. It is expected to result in an absent or disrupted protein product. Loss-of-function variants in PRPF31 are known to be pathogenic (PMID: 18317597, 23950152).

Institute of Medical Genetics and Applied Genomics, University Hospital Tübingen
Classification: Pathogenic. Last evaluated: 2020-10-23. Review status: criteria provided, single submitter. Criteria: ACMG Guidelines, 2015. Collection method: clinical testing. Allele origin: germline. Inheritance: Autosomal dominant inheritance. Affected: yes.

Literature cited by the submitters: PubMed 24265693 (cited by Institute of Human Genetics, Univ. Regensburg, Univ. Regensburg); PubMed 2855908 (cited by Institute of Human Genetics, Univ. Regensburg, Univ. Regensburg); PubMed 28559085 (cited by Labcorp Genetics (formerly Invitae), Labcorp); PubMed 18317597 (cited by Labcorp Genetics (formerly Invitae), Labcorp); PubMed 23950152 (cited by Labcorp Genetics (formerly Invitae), Labcorp).

NM_015629.4(PRPF31):c.217A>T (p.Lys73Ter)

Gene: PRPF31 (pre-mRNA processing factor 31; plus strand). Cytogenetic location: 19q13.42.
Variant type: single nucleotide variant.
Coding change: c.217A>T on transcript NM_015629.4 (MANE Select); coding-DNA position 217, A replaced by T.
Protein change: p.Lys73Ter; replaces lysine 73 with a stop codon.
Molecular consequence: nonsense.
Genome position (GRCh38, 1-based): chr19:54,118,612, A>T. VCF-style: chr19-54118612-A-T. GRCh37 (hg19) VCF-style: chr19-54621992-A-T.
Other names: short protein forms K73*.
Identifiers: ClinVar variation 987368 (VCV000987368.38), dbSNP rs2073709795, ClinGen allele CA407790635.